The following is an entry in ClinVar:

NM_001037131.3(AGAP1):c.2013C>T (p.Val671=)

Gene: AGAP1 (ArfGAP with GTPase domain, ankyrin repeat and PH domain 1; plus strand). Cytogenetic location: 2q37.2.
Variant type: single nucleotide variant.
Coding change: c.2013C>T on transcript NM_001037131.3 (MANE Select); coding-DNA position 2013, C replaced by T.
Protein change: p.Val671=; no amino-acid change (valine 671 retained).
Molecular consequence: synonymous variant.
Genome position (GRCh38, 1-based): chr2:236,049,180, C>T. VCF-style: chr2-236049180-C-T. GRCh37 (hg19) VCF-style: chr2-236957824-C-T.
Other names: c.1854C>T, p.Val618= (NM_014914.5).
Identifiers: ClinVar variation 2652035 (VCV002652035.24), dbSNP rs147314067, ClinGen allele CA2185112.
Genomic context (GRCh38, chr2:236,049,180, plus strand): 5'-CCGGAATCTTGGCACCCACCTTTCCCGAGTCCGATCTCTGGACCTGGATGACTGGCCAGT[C>T]GAGCTCATCAAGGTGATGTCATCCATCGGGAACGAGCTAGCCAACAGCGTCTGGGAAGAG-3'
Protein context (NP_001032208.1, residues 661-681): VRSLDLDDWP[Val671=]ELIKVMSSIG

ClinVar aggregate classification (germline): Likely benign (1 of 4 stars; one submission).

Allele frequency attached by ClinVar (database versions not stated): TOPMed 0.00003; gnomAD 0.00005; ESP Exome Variant Server 0.00015.
gnomAD v4.1: 57 of 1,613,972 alleles (0.0035%); highest among the groups gnomAD compares: South Asian, 0.0055%; no homozygotes.

Submission:

CeGaT Center for Human Genetics Tuebingen
Classification: Likely benign. Last evaluated: 2023-03-01. Review status: criteria provided, single submitter. Criteria: CeGaT Center For Human Genetics Tuebingen Variant Classification Criteria Version 2. Collection method: clinical testing. Allele origin: germline. Affected: yes. Observed: 1 variant allele.
Comment: AGAP1: BP4, BP7